The following is an entry in ClinVar:

NM_001159699.2(FHL1):c.68G>T (p.Cys23Phe)

Gene: FHL1 (four and a half LIM domains 1; plus strand). Cytogenetic location: Xq26.3.
Variant type: single nucleotide variant.
Coding change: c.68G>T on transcript NM_001159699.2 (MANE Select); coding-DNA position 68, G replaced by T.
Protein change: p.Cys23Phe; replaces cysteine 23 with phenylalanine.
Molecular consequence: missense variant. On other transcripts: non-coding transcript variant (1).
Genome position (GRCh38, 1-based): chrX:136,206,452, G>T. VCF-style: chrX-136206452-G-T. GRCh37 (hg19) VCF-style: chrX-135288611-G-T.
Other names: c.20G>T, p.Cys7Phe (NM_001159700.2, NM_001159702.3, NM_001159703.2 and 9 more transcripts); c.107G>T, p.Cys36Phe (NM_001159701.2); c.68G>T, p.Cys23Phe (NM_001330659.2); short protein forms C36F, C23F, C7F.
Identifiers: ClinVar variation 939820 (VCV000939820.11), dbSNP rs2073842039, ClinGen allele CA414607380.

ClinVar aggregate classification (germline): Uncertain significance. Review status: criteria provided, multiple submitters, no conflicts (2 of 4 stars). 2 submissions from 2 submitters: Uncertain significance (2). Last evaluated 2025-02-19.

Conditions:
Cardiovascular phenotype. Identifiers: MedGen CN230736.
X-linked myopathy with postural muscle atrophy. Also called: FHL1-Related Emery-Dreifuss Muscular Dystrophy, X-Linked. Identifiers: Orphanet 178461, MedGen C2678055, MONDO:0010401, OMIM 300696.

Submissions (3):

Ambry Genetics
Classification: Uncertain significance for Cardiovascular phenotype. Last evaluated: 2025-02-19. Review status: criteria provided, single submitter. Criteria: Ambry Variant Classification Scheme 2023. Collection method: clinical testing. Allele origin: germline.
Comment: The p.C7F variant (also known as c.20G>T), located in coding exon 1 of the FHL1 gene, results from a G to T substitution at nucleotide position 20. The cysteine at codon 7 is replaced by phenylalanine, an amino acid with highly dissimilar properties. This amino acid position is highly conserved in available vertebrate species. In addition, this alteration is predicted to be deleterious by in silico analysis. Based on the available evidence, the clinical significance of this variant remains unclear.

Labcorp Genetics (formerly Invitae), Labcorp
Classification: Uncertain significance for X-linked myopathy with postural muscle atrophy. Last evaluated: 2022-01-06. Review status: criteria provided, single submitter. Criteria: Invitae Variant Classification Sherloc (09022015). Collection method: clinical testing. Allele origin: germline.
Comment: This variant is not present in population databases (gnomAD no frequency). This sequence change replaces cysteine, which is neutral and slightly polar, with phenylalanine, which is neutral and non-polar, at codon 7 of the FHL1 protein (p.Cys7Phe). This missense change has been observed in individual(s) with FHL1-related conditions (Invitae). ClinVar contains an entry for this variant (Variation ID: 939820). Algorithms developed to predict the effect of missense changes on protein structure and function (SIFT, PolyPhen-2, Align-GVGD) all suggest that this variant is likely to be disruptive. In summary, the available evidence is currently insufficient to determine the role of this variant in disease. Therefore, it has been classified as a Variant of Uncertain Significance.

Dr. Peter K. Rogan Lab, Western University
No classification provided (evidence only). Condition: Thyroid cancer, nonmedullary, 1. Review status: no classification provided. Collection method: in vitro. Allele origin: not applicable. Functional consequence: retained intron. Not counted in ClinVar's aggregate classification.